The following is an entry in ClinVar:

ClinVar aggregate classification (germline): Uncertain significance. Review status: criteria provided, multiple submitters, no conflicts (2 of 4 stars). 3 submissions from 3 submitters: Uncertain significance (3). Last evaluated 2024-10-16.

Conditions:
Leukoencephalopathy with vanishing white matter 1 (VWM1). Also called: CHILDHOOD ATAXIA WITH CENTRAL NERVOUS SYSTEM HYPOMYELINIZATION; Cree leukoencephalopathy; Vanishing white matter leukodystrophy; EIF2B1-Related Childhood Ataxia with Central Nervous System Hypomyelination/Vanishing White Matter. Identifiers: Orphanet 99854, MedGen C5779972, MONDO:0020507, OMIM 603896.

Allele frequency attached by ClinVar (database versions not stated): TOPMed 0.00001; ExAC 0.00001; gnomAD exomes 0.00001.
gnomAD v4.1: 18 of 1,613,328 alleles (0.0011%); highest among the groups gnomAD compares: Non-Finnish European, 0.0014%; no homozygotes.

Submissions (3):

Labcorp Genetics (formerly Invitae), Labcorp
Classification: Uncertain significance. Last evaluated: 2024-10-16. Review status: criteria provided, single submitter. Criteria: Invitae Variant Classification Sherloc (09022015). Collection method: clinical testing. Allele origin: germline.
Comment: This sequence change replaces glutamic acid, which is acidic and polar, with lysine, which is basic and polar, at codon 5 of the EIF2B1 protein (p.Glu5Lys). This variant also falls at the last nucleotide of exon 1, which is part of the consensus splice site for this exon. The frequency data for this variant in the population databases is considered unreliable, as metrics indicate poor data quality at this position in the gnomAD database. This variant has not been reported in the literature in individuals affected with EIF2B1-related conditions. ClinVar contains an entry for this variant (Variation ID: 2176384). An algorithm developed to predict the effect of missense changes on protein structure and function outputs the following: PolyPhen-2: "Benign". The lysine amino acid residue is found in multiple mammalian species, which suggests that this missense change does not adversely affect protein function. Variants that disrupt the consensus splice site are a relatively common cause of aberrant splicing (PMID: 17576681, 9536098). Algorithms developed to predict the effect of sequence changes on RNA splicing suggest that this variant may disrupt the consensus splice site. In summary, the available evidence is currently insufficient to determine the role of this variant in disease. Therefore, it has been classified as a Variant of Uncertain Significance.

Women's Health and Genetics/Laboratory Corporation of America, LabCorp
Classification: Uncertain significance. Last evaluated: 2024-03-13. Review status: criteria provided, single submitter. Criteria: LabCorp Variant Classification Summary - May 2015. Collection method: clinical testing. Allele origin: germline.
Comment: Variant summary: EIF2B1 c.13G>A (p.Glu5Lys) results in a conservative amino acid change in the encoded protein sequence in the last nucleotide of exon 1, adjacent to the exon 1/intron 1 splice donor site. Three of five in-silico tools predict a benign effect of the variant on protein function. Several computational tools predict a significant impact on normal splicing: Four predict the variant abolishes or weakens a 5' splicing donor site. However, these predictions have yet to be confirmed by functional studies. The variant allele was found at a frequency of 8e-06 in 248570 control chromosomes. The available data on variant occurrences in the general population are insufficient to allow any conclusion about variant significance. To our knowledge, no occurrence of c.13G>A in individuals affected with Leukoencephalopathy With Vanishing White Matter and no experimental evidence demonstrating its impact on protein function have been reported. ClinVar contains an entry for this variant (Variation ID: 2176384). Based on the evidence outlined above, the variant was classified as uncertain significance.

Revvity Omics, Revvity
Classification: Uncertain significance for Leukoencephalopathy with vanishing white matter 1. Last evaluated: 2019-12-05. Review status: criteria provided, single submitter. Criteria: ACMG Guidelines, 2015. Collection method: clinical testing. Allele origin: germline.

Literature cited by the submitters: PubMed 17576681 (cited by Labcorp Genetics (formerly Invitae), Labcorp); PubMed 9536098 (cited by Labcorp Genetics (formerly Invitae), Labcorp).

NM_001414.4(EIF2B1):c.13G>A (p.Glu5Lys)

Gene: EIF2B1 (eukaryotic translation initiation factor 2B subunit alpha; minus strand). Cytogenetic location: 12q24.31.
Variant type: single nucleotide variant.
Coding change: c.13G>A on transcript NM_001414.4 (MANE Select); coding-DNA position 13, G replaced by A.
Protein change: p.Glu5Lys; replaces glutamic acid 5 with lysine.
Molecular consequence: missense variant.
Genome position (GRCh38, 1-based): chr12:123,633,545, C>T on the plus strand (G>A on the coding strand, the complement: EIF2B1 is on the minus strand). VCF-style: chr12-123633545-C-T. GRCh37 (hg19) VCF-style: chr12-124118092-C-T.
Other names: c.13G>A (NM_001414.3); short protein forms E5K.
Identifiers: ClinVar variation 2176384 (VCV002176384.6), dbSNP rs760294177, ClinGen allele CA6860267.